The following is an entry in ClinVar:

NM_001164277.2(SLC37A4):c.448G>A (p.Gly150Arg)

Gene: SLC37A4 (solute carrier family 37 member 4; minus strand). Cytogenetic location: 11q23.3.
Variant type: single nucleotide variant.
Coding change: c.448G>A on transcript NM_001164277.2 (MANE Select); coding-DNA position 448, G replaced by A.
Protein change: p.Gly150Arg; replaces glycine 150 with arginine.
Molecular consequence: missense variant.
Genome position (GRCh38, 1-based): chr11:119,027,806, C>T on the plus strand (G>A on the coding strand, the complement: SLC37A4 is on the minus strand). VCF-style: chr11-119027806-C-T. GRCh37 (hg19) VCF-style: chr11-118898516-C-T.
Other names: c.448G>A, p.Gly150Arg (NM_001164278.2, NM_001164280.2, NM_001467.6); c.229G>A, p.Gly77Arg (NM_001164279.2); short protein forms G150R, G77R.
Identifiers: ClinVar variation 68281 (VCV000068281.14), dbSNP rs193302883, ClinGen allele CA219322.
Genomic context (GRCh38, chr11:119,027,806, plus strand): 5'-CCAGCGTGCTGCGCCAGCTGTAGCTCTGGGCAAGGATGGTTGCCAGGATAGGGCCCAGCC[C>T]TCCAGCCAGGTTCATGCTGGTTGACAGGATGGCCCACCAAGTGCCAAACTGAGATGGCTC-3'
Protein context (NP_001157749.1, residues 140-160): ILSTSMNLAG[Gly150Arg]LGPILATILA

ClinVar aggregate classification (germline): Pathogenic/Likely pathogenic. Review status: criteria provided, multiple submitters, no conflicts (2 of 4 stars). 6 submissions from 6 submitters: Pathogenic (2); Likely pathogenic (3). 1 of the submissions does not count toward it. Last evaluated 2025-01-29.

Conditions:
Glucose-6-phosphate transport defect (GSD1B). Also called: Glycogen Storage Disease Type Ib; GSD Ib. Identifiers: Orphanet 364, Orphanet 79259, MedGen C0268146, MONDO:0009288, OMIM 232220.
Phosphate transport defect (GSD1C). Also called: GLYCOGEN STORAGE DISEASE Ic; GSD Ic. Identifiers: Orphanet 364, Orphanet 79259, MedGen C0342749, OMIM 232240.
Congenital disorder of glycosylation, type IIw. Identifiers: MedGen C5561986, MONDO:0030437, OMIM 619525.

Allele frequency attached by ClinVar (database versions not stated): gnomAD 0.00001; TOPMed 0.00001.

Submissions (6):

Labcorp Genetics (formerly Invitae), Labcorp
Classification: Pathogenic for Glucose-6-phosphate transport defect. Last evaluated: 2025-01-29. Review status: criteria provided, single submitter. Criteria: Invitae Variant Classification Sherloc (09022015). Collection method: clinical testing. Allele origin: germline.
Comment: This sequence change replaces glycine, which is neutral and non-polar, with arginine, which is basic and polar, at codon 150 of the SLC37A4 protein (p.Gly150Arg). This variant is not present in population databases (gnomAD no frequency). This missense change has been observed in individual(s) with autosomal recessive glycogen storage disease (PMID: 9758626, 10940311; internal data). In at least one individual the data is consistent with being in trans (on the opposite chromosome) from a pathogenic variant. This variant is also known as 617G>A. ClinVar contains an entry for this variant (Variation ID: 68281). Invitae Evidence Modeling of protein sequence and biophysical properties (such as structural, functional, and spatial information, amino acid conservation, physicochemical variation, residue mobility, and thermodynamic stability) indicates that this missense variant is expected to disrupt SLC37A4 protein function with a positive predictive value of 80%. Experimental studies have shown that this missense change affects SLC37A4 function (PMID: 12444104, 18835800). For these reasons, this variant has been classified as Pathogenic.

Natera, Inc.
Classification: Likely pathogenic for Glycogen storage disease type Ib. Last evaluated: 2024-10-08. Review status: criteria provided, single submitter. Criteria: Natera Variant Classification Schema (03/2026). Collection method: clinical testing. Allele origin: germline.
Comment: The c.448G>A variant in SLC37A4 is a missense variant predicted to cause substitution of glycine to arginine at amino acid 150. This variant is rare in the general population with a frequency below the threshold expected for the associated phenotype(s). This variant has been observed in one or more individuals affected with the associated recessive disease, as either homozygous or compound heterozygous with a second variant (PMID: 9758626). Functional studies show that this variant may disrupt protein function (PMID: 10940311, 18835800). Given the available evidence, this variant is classified as Likely Pathogenic.

Baylor Genetics
Classification: Pathogenic for Glucose-6-phosphate transport defect. Last evaluated: 2024-01-16. Review status: criteria provided, single submitter. Criteria: ACMG Guidelines, 2015. Collection method: clinical testing. Allele origin: unknown.

Fulgent Genetics
Classification: Likely pathogenic for Glucose-6-phosphate transport defect; Phosphate transport defect; Congenital disorder of glycosylation, type IIw. Last evaluated: 2022-01-19. Review status: criteria provided, single submitter. Criteria: ACMG Guidelines, 2015. Collection method: clinical testing. Allele origin: unknown.

Women's Health and Genetics/Laboratory Corporation of America, LabCorp
Classification: Likely pathogenic for Glucose-6-phosphate transport defect. Last evaluated: 2022-01-10. Review status: criteria provided, single submitter. Criteria: LabCorp Variant Classification Summary - May 2015. Collection method: clinical testing. Allele origin: germline.
Comment: Variant summary: SLC37A4 c.448G>A (p.Gly150Arg) results in a non-conservative amino acid change located in the Major facilitator superfamily domain (IPR020846) of the encoded protein sequence. The variant was absent in 239678 control chromosomes (gnomAD). c.448G>A has been reported in the literature in at least two compound heterozygous individuals affected with Glycogen Storage Disease Type Ib (Veiga-da-Cunha_1998, Chen_2000). In addition, a ClinVar submitter reports the variant in a homozygous individual with clinical features of GSD (SCV000934276.1). These data indicate that the variant is likely to be associated with disease. Experimental evidence evaluating an impact on protein function demonstrated the variant to be devoid of microsomal G6P and Pi transport activity (Chen_2000, 2002, 2008). A ClinVar submitter (evaluation after 2014) cites the variant as likely pathogenic. Based on the evidence outlined above, the variant was classified as likely pathogenic.

UniProtKB/Swiss-Prot
No classification provided. Review status: no classification provided. Collection method: not provided. Allele origin: not provided. Not counted in ClinVar's aggregate classification.

Literature cited by the submitters: PubMed 9758626 (cited by 3 submitters); PubMed 10940311 (cited by 3 submitters); PubMed 12444104 (cited by Labcorp Genetics (formerly Invitae), Labcorp and Women's Health and Genetics/Laboratory Corporation of America, LabCorp); PubMed 18835800 (cited by 3 submitters).